The following is an entry in ClinVar:

NM_198241.3(EIF4G1):c.100A>T (p.Ser34Cys)

Gene: EIF4G1 (eukaryotic translation initiation factor 4 gamma 1; plus strand). Cytogenetic location: 3q27.1.
Variant type: single nucleotide variant.
Coding change: c.100A>T on transcript NM_198241.3 (MANE Select); coding-DNA position 100, A replaced by T.
Protein change: p.Ser34Cys; replaces serine 34 with cysteine.
Molecular consequence: missense variant. On other transcripts: 5 prime UTR variant (1), intron variant (2).
Genome position (GRCh38, 1-based): chr3:184,316,171, A>T. VCF-style: chr3-184316171-A-T. GRCh37 (hg19) VCF-style: chr3-184033959-A-T.
Other names: c.100A>T, p.Ser34Cys (NM_001194946.2, NM_001194947.2, NM_182917.4); c.-21A>T (NM_001291157.2); c.-114-1150A>T (NM_198244.3); c.-169+1497A>T (NM_198242.3); short protein forms S34C.
Identifiers: ClinVar variation 5002946 (VCV005002946.1).

ClinVar aggregate classification (germline): Uncertain significance (1 of 4 stars; one submission).

Submission:

OLLIN Analises Genomicas, OLLIN
Classification: Uncertain significance. Last evaluated: 2026-08-06. Review status: criteria provided, single submitter. Criteria: ACMG Guidelines 2015 PMID 25741868. Collection method: clinical testing. Allele origin: germline.
Comment: This missense variant, located in exon 4 (of 33), is absent from gnomAD and has not been identified in the literature. However, it has been reported in ClinVar (accession VCV003507668.1). In silico analysis predicts that this variant has a tolerated effect. According to the currently available evidence, this variant has been classified as uncertain significance (PM2_P, BP4_M).